The following is an entry in ClinVar:

ClinVar aggregate classification (germline): Uncertain significance. Review status: criteria provided, multiple submitters, no conflicts (2 of 4 stars). 2 submissions from 2 submitters: Uncertain significance (2). Last evaluated 2024-02-20.

Conditions:
Focal segmental glomerulosclerosis 5 (FSGS5). Identifiers: Orphanet 656, MedGen C2750475, MONDO:0013191, OMIM 613237.
Charcot-Marie-Tooth disease dominant intermediate E. Also called: CHARCOT-MARIE-TOOTH NEUROPATHY WITH FOCAL SEGMENTAL GLOMERULONEPHRITIS. Identifiers: Orphanet 93114, MedGen C4302667, MONDO:0013758, OMIM 614455.

Submissions (2):

Fulgent Genetics
Classification: Uncertain significance for Focal segmental glomerulosclerosis 5; Charcot-Marie-Tooth disease dominant intermediate E. Last evaluated: 2024-02-20. Review status: criteria provided, single submitter. Criteria: ACMG Guidelines, 2015. Collection method: clinical testing. Allele origin: germline.

Labcorp Genetics (formerly Invitae), Labcorp
Classification: Uncertain significance for Charcot-Marie-Tooth disease dominant intermediate E; Focal segmental glomerulosclerosis 5. Last evaluated: 2021-11-13. Review status: criteria provided, single submitter. Criteria: Invitae Variant Classification Sherloc (09022015). Collection method: clinical testing. Allele origin: germline.
Comment: In summary, the available evidence is currently insufficient to determine the role of this variant in disease. Therefore, it has been classified as a Variant of Uncertain Significance. Algorithms developed to predict the effect of missense changes on protein structure and function (SIFT, PolyPhen-2, Align-GVGD) all suggest that this variant is likely to be tolerated. This variant has not been reported in the literature in individuals affected with INF2-related conditions. The frequency data for this variant in the population databases is considered unreliable, as metrics indicate poor data quality at this position in the gnomAD database. This sequence change replaces glutamine, which is neutral and polar, with glutamic acid, which is acidic and polar, at codon 122 of the INF2 protein (p.Gln122Glu).

NM_022489.4(INF2):c.364C>G (p.Gln122Glu)

Gene: INF2 (inverted formin 2; plus strand). Cytogenetic location: 14q32.33.
Variant type: single nucleotide variant.
Coding change: c.364C>G on transcript NM_022489.4 (MANE Select); coding-DNA position 364, C replaced by G.
Protein change: p.Gln122Glu; replaces glutamine 122 with glutamic acid.
Molecular consequence: missense variant.
Genome position (GRCh38, 1-based): chr14:104,701,729, C>G. VCF-style: chr14-104701729-C-G. GRCh37 (hg19) VCF-style: chr14-105168066-C-G.
Other names: c.364C>G, p.Gln122Glu (NM_001031714.4, NM_032714.3); short protein forms Q122E.
Identifiers: ClinVar variation 1466421 (VCV001466421.7), dbSNP rs1428719320, ClinGen allele CA391225972.